The following is an entry in ClinVar:

NM_001270508.2(TNFAIP3):c.1084C>T (p.Gln362Ter)

Gene: TNFAIP3 (TNF alpha induced protein 3; plus strand). Cytogenetic location: 6q23.3.
Variant type: single nucleotide variant.
Coding change: c.1084C>T on transcript NM_001270508.2 (MANE Select); coding-DNA position 1084, C replaced by T.
Protein change: p.Gln362Ter; replaces glutamine 362 with a stop codon.
Molecular consequence: nonsense.
Genome position (GRCh38, 1-based): chr6:137,878,529, C>T. VCF-style: chr6-137878529-C-T. GRCh37 (hg19) VCF-style: chr6-138199666-C-T.
Other names: c.1084C>T, p.Gln362Ter (NM_001270507.2, NM_006290.4); short protein forms Q362*.
Identifiers: ClinVar variation 2877103 (VCV002877103.3), dbSNP rs2114496900, ClinGen allele CA365788512.

ClinVar aggregate classification (germline): Pathogenic (1 of 4 stars; one submission).

Submission:

Labcorp Genetics (formerly Invitae), Labcorp
Classification: Pathogenic. Last evaluated: 2023-12-09. Review status: criteria provided, single submitter. Criteria: Invitae Variant Classification Sherloc (09022015). Collection method: clinical testing. Allele origin: germline.
Comment: This sequence change creates a premature translational stop signal (p.Gln362*) in the TNFAIP3 gene. It is expected to result in an absent or disrupted protein product. Loss-of-function variants in TNFAIP3 are known to be pathogenic (PMID: 26642243). This variant is not present in population databases (gnomAD no frequency). This variant has not been reported in the literature in individuals affected with TNFAIP3-related conditions. For these reasons, this variant has been classified as Pathogenic.

Literature cited by the submitters: PubMed 26642243.